The following is an entry in ClinVar:

NM_001283009.2(RTEL1):c.2669G>A (p.Gly890Asp)

Genes: RTEL1 (regulator of telomere elongation helicase 1; plus strand), RTEL1-TNFRSF6B (RTEL1-TNFRSF6B readthrough (NMD candidate); plus strand). Cytogenetic location: 20q13.33.
Variant type: single nucleotide variant.
Coding change: c.2669G>A on transcript NM_001283009.2 (MANE Select); coding-DNA position 2669, G replaced by A.
Protein change: p.Gly890Asp; replaces glycine 890 with aspartic acid.
Molecular consequence: missense variant. On other transcripts: non-coding transcript variant (1).
Genome position (GRCh38, 1-based): chr20:63,692,821, G>A. VCF-style: chr20-63692821-G-A. GRCh37 (hg19) VCF-style: chr20-62324174-G-A.
Other names: c.2000G>A, p.Gly667Asp (NM_001283010.1); c.2669G>A, p.Gly890Asp (NM_016434.4); c.2741G>A, p.Gly914Asp (NM_032957.5); short protein forms G667D, G914D, G890D.
Identifiers: ClinVar variation 1041399 (VCV001041399.6), dbSNP rs1243516442, ClinGen allele CA409682801.

ClinVar aggregate classification (germline): Uncertain significance. Review status: criteria provided, multiple submitters, no conflicts (2 of 4 stars). 2 submissions from 2 submitters: Uncertain significance (2). Last evaluated 2024-11-21.

Conditions:
Dyskeratosis congenita, autosomal recessive 5 (DKCB5). Identifiers: MedGen C3554656, MONDO:0014076, OMIM 615190.
Pulmonary fibrosis and/or bone marrow failure, Telomere-related, 3. Also called: PULMONARY FIBROSIS AND/OR BONE MARROW FAILURE SYNDROME, TELOMERE-RELATED, 3. Identifiers: Orphanet 2032, MedGen C4225346, MONDO:0014613, OMIM 616373.
Inborn genetic diseases. Identifiers: MedGen C0950123, MeSH D030342.

Allele frequency attached by ClinVar (database versions not stated): gnomAD exomes 0.00001.
gnomAD v4.1: 5 of 1,612,042 alleles (0.00031%); highest among the groups gnomAD compares: Admixed American, 0.0033%; no homozygotes.

Submissions (2):

Ambry Genetics
Classification: Uncertain significance for Inborn genetic diseases. Last evaluated: 2024-11-21. Review status: criteria provided, single submitter. Criteria: Ambry Variant Classification Scheme 2023. Collection method: clinical testing. Allele origin: germline.
Comment: The p.G890D variant (also known as c.2669G>A), located in coding exon 28 of the RTEL1 gene, results from a G to A substitution at nucleotide position 2669. The glycine at codon 890 is replaced by aspartic acid, an amino acid with similar properties. This amino acid position is conserved. In addition, this alteration is predicted to be tolerated by in silico analysis. Based on the available evidence, the clinical significance of this variant remains unclear.

Labcorp Genetics (formerly Invitae), Labcorp
Classification: Uncertain significance for Dyskeratosis congenita, autosomal recessive 5; Pulmonary fibrosis and/or bone marrow failure, Telomere-related, 3. Last evaluated: 2022-07-06. Review status: criteria provided, single submitter. Criteria: Invitae Variant Classification Sherloc (09022015). Collection method: clinical testing. Allele origin: germline.
Comment: In summary, the available evidence is currently insufficient to determine the role of this variant in disease. Therefore, it has been classified as a Variant of Uncertain Significance. Algorithms developed to predict the effect of missense changes on protein structure and function output the following: SIFT: "Tolerated"; PolyPhen-2: "Benign"; Align-GVGD: "Class C0". The aspartic acid amino acid residue is found in multiple mammalian species, which suggests that this missense change does not adversely affect protein function. ClinVar contains an entry for this variant (Variation ID: 1041399). This variant has not been reported in the literature in individuals affected with RTEL1-related conditions. This variant is present in population databases (no rsID available, gnomAD 0.006%). This sequence change replaces glycine, which is neutral and non-polar, with aspartic acid, which is acidic and polar, at codon 890 of the RTEL1 protein (p.Gly890Asp).